The following is an entry in ClinVar:

NM_000046.5(ARSB):c.1161dup (p.Arg388fs)

Gene: ARSB (arylsulfatase B; minus strand). Cytogenetic location: 5q14.1.
Variant type: Duplication.
Coding change: c.1161dup on transcript NM_000046.5 (MANE Select); coding-DNA position 1161, one base duplicated (C; older notation c.1161dupC).
Protein change: p.Arg388fs; shifts the reading frame from arginine 388.
Molecular consequence: frameshift variant.
Genome position (GRCh38, 1-based): chr5:78,839,408, G duplicated on the plus strand (C on the coding strand, the reverse complement: ARSB is on the minus strand); the first of 5 consecutive G bases (chr5:78,839,408-78,839,412); duplicating any one gives the same sequence. VCF-style (leftmost placement, unchanged base first): chr5-78839407-T-TG. GRCh37 (hg19) VCF-style: chr5-78135230-T-TG.
Other names: c.1161dup, p.Arg388fs (NM_198709.3); short protein forms R388fs.
Identifiers: ClinVar variation 559683 (VCV000559683.1), dbSNP rs1554074135, ClinGen allele CA445212492.

ClinVar aggregate classification (germline): Likely pathogenic (1 of 4 stars; one submission).

Conditions:
Mucopolysaccharidosis type 6 (MPS6). Also called: N-ACETYLGALACTOSAMINE-4-SULFATASE DEFICIENCY; MPS VI; MPS 6; Maroteaux Lamy syndrome; ARSB DEFICIENCY; ARYLSULFATASE B DEFICIENCY. Identifiers: Orphanet 583, MedGen C0026709, MONDO:0009661, OMIM 253200.

Submission:

Laboratory of Diagnosis and Therapy of Lysosomal Disorders, University of Padova
Classification: Likely pathogenic for Mucopolysaccharidosis type 6. Last evaluated: 2018-01-01. Review status: criteria provided, single submitter. Criteria: ACMG Guidelines, 2015. Collection method: curation. Allele origin: germline. Affected: yes.
Comment: Frameshift variant (PVS1); Absent from GnomAD (PM2)

Literature cited by the submitters: PubMed 17458871; PubMed 30118150.